The following is an entry in ClinVar:

ClinVar aggregate classification (germline): Uncertain significance. Review status: criteria provided, multiple submitters, no conflicts (2 of 4 stars). 2 submissions from 2 submitters: Uncertain significance (2). Last evaluated 2025-08-02.

Conditions:
Familial hypocalciuric hypercalcemia (FHH). Also called: Familial benign hypercalcemia. Identifiers: Orphanet 405, MedGen C1809471, MONDO:0018458.
Autosomal dominant hypocalcemia 1 (HYPOC1). Also called: HYPOCALCEMIA, FAMILIAL. Identifiers: MedGen C3715128, MONDO:0011013, OMIM 601198.

Submissions (2):

Labcorp Genetics (formerly Invitae), Labcorp
Classification: Uncertain significance for Familial hypocalciuric hypercalcemia; Autosomal dominant hypocalcemia 1. Last evaluated: 2025-08-02. Review status: criteria provided, single submitter. Criteria: Invitae Variant Classification Sherloc (09022015). Collection method: clinical testing. Allele origin: germline.
Comment: This sequence change replaces alanine, which is neutral and non-polar, with leucine, which is neutral and non-polar, at codon 194 of the CASR protein (p.Ala194Leu). Information on the frequency of this variant in the gnomAD database is not available, as this variant may be reported differently in the database. This variant has not been reported in the literature in individuals affected with CASR-related conditions. ClinVar contains an entry for this variant (Variation ID: 1804677). An algorithm developed to predict the effect of missense changes on protein structure and function (PolyPhen-2) suggests that this variant is likely to be disruptive. In summary, the available evidence is currently insufficient to determine the role of this variant in disease. Therefore, it has been classified as a Variant of Uncertain Significance.

Women's Health and Genetics/Laboratory Corporation of America, LabCorp
Classification: Uncertain significance. Last evaluated: 2022-11-11. Review status: criteria provided, single submitter. Criteria: LabCorp Variant Classification Summary - May 2015. Collection method: clinical testing. Allele origin: germline.
Comment: Variant summary: CASR c.580_581delinsCT (p.Ala194Leu) results in a non-conservative amino acid change located in the Receptor, ligand binding region (IPR001828) of the encoded protein sequence. Three of four in-silico tools predict a damaging effect of the variant on protein function. The variant was absent in 251190 control chromosomes. The available data on variant occurrences in the general population are insufficient to allow any conclusion about variant significance. To our knowledge, no occurrence of c.580_581delinsCT in individuals affected with Autosomal Dominant Hypocalcemia and no experimental evidence demonstrating its impact on protein function have been reported. No clinical diagnostic laboratories have submitted clinical-significance assessments for this variant to ClinVar after 2014. Based on the evidence outlined above, the variant was classified as uncertain significance.

NM_000388.4(CASR):c.580_581delinsCT (p.Ala194Leu)

Gene: CASR (calcium sensing receptor; plus strand). Cytogenetic location: 3q21.1.
Variant type: Indel.
Coding change: c.580_581delinsCT on transcript NM_000388.4 (MANE Select); coding-DNA positions 580 to 581, GC replaced by CT.
Protein change: p.Ala194Leu; replaces alanine 194 with leucine.
Molecular consequence: missense variant.
Genome position (GRCh38, 1-based): chr3:122,261,615-122,261,616, GC replaced by CT. VCF-style: chr3-122261615-GC-CT. GRCh37 (hg19) VCF-style: chr3-121980462-GC-CT.
Other names: c.580_581delinsCT, p.Ala194Leu (NM_001178065.2); short protein forms A194L.
Identifiers: ClinVar variation 1804677 (VCV001804677.2), dbSNP rs2473225457, ClinGen allele CA2580068631.